The following is an entry in ClinVar:

NM_001379500.1(COL18A1):c.2896C>T (p.Gln966Ter)

Genes: COL18A1 (collagen type XVIII alpha 1 chain; plus strand), SLC19A1 (solute carrier family 19 member 1; minus strand). Cytogenetic location: 21q22.3.
Variant type: single nucleotide variant.
Coding change: c.2896C>T on transcript NM_001379500.1 (MANE Select); coding-DNA position 2896, C replaced by T.
Protein change: p.Gln966Ter; replaces glutamine 966 with a stop codon.
Molecular consequence: nonsense.
Genome position (GRCh38, 1-based): chr21:45,505,161, C>T. VCF-style: chr21-45505161-C-T. GRCh37 (hg19) VCF-style: chr21-46925075-C-T.
Other names: c.3427C>T, p.Gln1143Ter (NM_030582.4); c.4132C>T, p.Gln1378Ter (NM_130444.3); short protein forms Q1143*, Q966*, Q1378*.
Identifiers: ClinVar variation 2084536 (VCV002084536.4), dbSNP rs374058652, ClinGen allele CA321921427.

ClinVar aggregate classification (germline): Pathogenic (1 of 4 stars; one submission).

Allele frequency attached by ClinVar (database versions not stated): gnomAD 0.00001; TOPMed 0.00001; ESP Exome Variant Server 0.00009.
gnomAD v4.1: 2 of 1,608,012 alleles (0.00012%); highest among the groups gnomAD compares: Non-Finnish European, 0.00017%; no homozygotes.

Submission:

Labcorp Genetics (formerly Invitae), Labcorp
Classification: Pathogenic. Last evaluated: 2024-09-16. Review status: criteria provided, single submitter. Criteria: Invitae Variant Classification Sherloc (09022015). Collection method: clinical testing. Allele origin: germline.
Comment: This sequence change creates a premature translational stop signal (p.Gln963*) in the COL18A1 gene. It is expected to result in an absent or disrupted protein product. Loss-of-function variants in COL18A1 are known to be pathogenic (PMID: 12415512, 25456301). This variant is not present in population databases (gnomAD no frequency). This variant has not been reported in the literature in individuals affected with COL18A1-related conditions. ClinVar contains an entry for this variant (Variation ID: 2084536). For these reasons, this variant has been classified as Pathogenic.

Literature cited by the submitters: PubMed 12415512; PubMed 25456301.